The following is an entry in ClinVar:

NM_006565.4(CTCF):c.1650C>T (p.Phe550=)

Gene: CTCF (CCCTC-binding factor; plus strand). Cytogenetic location: 16q22.1.
Variant type: single nucleotide variant.
Coding change: c.1650C>T on transcript NM_006565.4 (MANE Select); coding-DNA position 1650, C replaced by T.
Protein change: p.Phe550=; no amino-acid change (phenylalanine 550 retained).
Molecular consequence: synonymous variant.
Genome position (GRCh38, 1-based): chr16:67,628,501, C>T. VCF-style: chr16-67628501-C-T. GRCh37 (hg19) VCF-style: chr16-67662404-C-T.
Other names: c.666C>T, p.Phe222= (NM_001191022.2); c.1650C>T, p.Phe550= (NM_001363916.2).
Identifiers: ClinVar variation 3046838 (VCV003046838.2), dbSNP rs373346637, ClinGen allele CA8112733.

ClinVar aggregate classification (germline): Likely benign (0 of 4 stars; one submission).

Conditions:
CTCF-related disorder. Also called: CTCF-related condition. Identifiers: MedGen CN381101.

Allele frequency attached by ClinVar (database versions not stated): gnomAD exomes 0.00001; ExAC 0.00002; gnomAD 0.00003; TOPMed 0.00003.
gnomAD v4.1: 26 of 1,614,112 alleles (0.0016%); highest among the groups gnomAD compares: Admixed American, 0.015%; no homozygotes.

Submission:

PreventionGenetics, part of Exact Sciences
Classification: Likely benign for CTCF-related condition. Last evaluated: 2019-03-07. Review status: no assertion criteria provided. Collection method: clinical testing. Allele origin: germline.
Comment: This variant is classified as likely benign based on ACMG/AMP sequence variant interpretation guidelines (Richards et al. 2015 PMID: 25741868, with internal and published modifications).